The following is an entry in ClinVar:

ClinVar aggregate classification (germline): Benign. Review status: criteria provided, multiple submitters, no conflicts (2 of 4 stars). 2 submissions from 2 submitters: Benign (2). Last evaluated 2018-06-19.

Allele frequency attached by ClinVar (database versions not stated): gnomAD 0.12478 and 0.12658; 1000 Genomes Project 30x 0.07917; gnomAD exomes 0.12957; 1000 Genomes Project 0.07688; TOPMed 0.11834.

Submissions (2):

GeneDx
Classification: Benign. Last evaluated: 2018-06-19. Review status: criteria provided, single submitter. Criteria: GeneDx Variant Classification (06012015). Collection method: clinical testing. Allele origin: germline. Affected: yes.
Comment: This variant is considered likely benign or benign based on one or more of the following criteria: it is a conservative change, it occurs at a poorly conserved position in the protein, it is predicted to be benign by multiple in silico algorithms, and/or has population frequency not consistent with disease.

Breakthrough Genomics
Classification: Benign. Review status: criteria provided, single submitter. Criteria: ACMG Guidelines, 2015. Collection method: not provided. Allele origin: germline. Inheritance: Autosomal recessive inheritance. Affected: yes.

NM_139343.2(BIN1):c.-402G>C

Genes: BIN1 (bridging integrator 1; minus strand), LOC122819150 (Sharpr-MPRA regulatory region 2128; plus strand). Cytogenetic location: 2q14.3.
Variant type: single nucleotide variant.
Coding change: c.-402G>C on transcript NM_139343.2; 402 bases upstream of the start codon, G replaced by C.
Genome position (GRCh38, 1-based): chr2:127,107,345, C>G on the plus strand (G>C on the coding strand, the complement: BIN1 is on the minus strand). VCF-style: chr2-127107345-C-G. GRCh37 (hg19) VCF-style: chr2-127864921-C-G.
Identifiers: ClinVar variation 679853 (VCV000679853.4), dbSNP rs76516995, ClinGen allele CA55353535.